The following is an entry in ClinVar:

ClinVar aggregate classification (germline): Pathogenic. Review status: criteria provided, multiple submitters, no conflicts (2 of 4 stars). 4 submissions from 4 submitters: Pathogenic (4). Last evaluated 2026-02-10.

Conditions:
Familial cancer of breast. Also called: Hereditary breast cancer; hereditary breast carcinoma; BREAST CANCER, FAMILIAL. Identifiers: Orphanet 227535, MedGen C0346153, MONDO:0016419, OMIM 114480. Disease mechanism: loss of function.
Ataxia-telangiectasia syndrome (AT). Also called: Ataxia telangiectasia (A-T); LOUIS-BAR SYNDROME; Cerebello-oculocutaneous telangiectasia; Immunodeficiency with ataxia telangiectasia; Ataxia-telangiectasia, complementation group D; AT, COMPLEMENTATION GROUP C. Identifiers: Orphanet 100, MedGen C0004135, MONDO:0008840, OMIM 208900.
Hereditary cancer-predisposing syndrome. Also called: Hereditary neoplastic syndrome; Neoplastic Syndromes, Hereditary; Tumor predisposition; Hereditary Cancer Syndrome. Identifiers: Orphanet 140162, MedGen C0027672, MeSH D009386, MONDO:0015356.

Allele frequency attached by ClinVar (database versions not stated): ExAC 0.00001; gnomAD exomes 0.00001.
gnomAD v4.1: 3 of 1,613,538 alleles (0.00019%); highest among the groups gnomAD compares: Admixed American, 0.0033%; no homozygotes.

Submissions (4):

GeneDx
Classification: Pathogenic. Last evaluated: 2026-02-10. Review status: criteria provided, single submitter. Criteria: GeneDx Variant Classification Process June 2021. Collection method: clinical testing. Allele origin: germline.
Comment: Nonsense variant predicted to result in protein truncation or nonsense mediated decay in a gene for which loss of function is a known mechanism of disease; Not observed at significant frequency in large population cohorts (gnomAD); Truncating variants in this gene are considered pathogenic by a well-established clinical consortium and/or database; Has not been previously published as pathogenic or benign to our knowledge

Labcorp Genetics (formerly Invitae), Labcorp
Classification: Pathogenic for Ataxia-telangiectasia syndrome. Last evaluated: 2025-01-26. Review status: criteria provided, single submitter. Criteria: Invitae Variant Classification Sherloc (09022015). Collection method: clinical testing. Allele origin: germline.
Comment: This sequence change creates a premature translational stop signal (p.Glu2895*) in the ATM gene. It is expected to result in an absent or disrupted protein product. Loss-of-function variants in ATM are known to be pathogenic (PMID: 23807571, 25614872). This variant is present in population databases (rs769951912, gnomAD 0.006%). This variant has not been reported in the literature in individuals affected with ATM-related conditions. ClinVar contains an entry for this variant (Variation ID: 1764293). RNA analysis performed to evaluate the impact of this premature translational stop signal on mRNA splicing indicates it does not significantly alter splicing (internal data). For these reasons, this variant has been classified as Pathogenic.

Myriad Genetics, Inc.
Classification: Pathogenic for Familial cancer of breast. Last evaluated: 2023-01-10. Review status: criteria provided, single submitter. Criteria: Myriad Autosomal Dominant, Autosomal Recessive and X-Linked Classification Criteria (2023). Collection method: clinical testing. Allele origin: unknown.
Comment: This variant is considered pathogenic. This variant creates a termination codon and is predicted to result in premature protein truncation.

Ambry Genetics
Classification: Pathogenic for Hereditary cancer-predisposing syndrome. Last evaluated: 2020-07-28. Review status: criteria provided, single submitter. Criteria: Ambry Variant Classification Scheme 2023. Collection method: clinical testing. Allele origin: germline.
Comment: The p.E2895* pathogenic mutation (also known as c.8683G>T), located in coding exon 59 of the ATM gene, results from a G to T substitution at nucleotide position 8683. This changes the amino acid from a glutamic acid to a stop codon within coding exon 59. This alteration is expected to result in loss of function by premature protein truncation or nonsense-mediated mRNA decay. As such, this alteration is interpreted as a disease-causing mutation.

Literature cited by the submitters: PubMed 23807571 (cited by Labcorp Genetics (formerly Invitae), Labcorp); PubMed 25614872 (cited by Labcorp Genetics (formerly Invitae), Labcorp).

NM_000051.4(ATM):c.8683G>T (p.Glu2895Ter)

Genes: C11orf65 (chromosome 11 open reading frame 65; minus strand), ATM (ATM serine/threonine kinase; plus strand). Cytogenetic location: 11q22.3.
Variant type: single nucleotide variant.
Coding change: c.8683G>T on transcript NM_000051.4 (MANE Select); coding-DNA position 8683, G replaced by T.
Protein change: p.Glu2895Ter; replaces glutamic acid 2895 with a stop codon.
Molecular consequence: nonsense. On other transcripts: intron variant (2).
Genome position (GRCh38, 1-based): chr11:108,353,777, G>T. VCF-style: chr11-108353777-G-T. GRCh37 (hg19) VCF-style: chr11-108224504-G-T.
Other names: c.8683G>T, p.Glu2895Ter (NM_001351834.2); c.640+32143C>A (NM_001330368.2); c.695-18485C>A (NM_001351110.2); short protein forms E2895*.
Identifiers: ClinVar variation 1764293 (VCV001764293.7), dbSNP rs769951912, ClinGen allele CA6266426.